The following is an entry in ClinVar:

NM_000350.3(ABCA4):c.4166T>A (p.Met1389Lys)

Gene: ABCA4 (ATP binding cassette subfamily A member 4; minus strand). Cytogenetic location: 1p22.1.
Variant type: single nucleotide variant.
Coding change: c.4166T>A on transcript NM_000350.3 (MANE Select); coding-DNA position 4166, T replaced by A.
Protein change: p.Met1389Lys; replaces methionine 1389 with lysine.
Molecular consequence: missense variant.
Genome position (GRCh38, 1-based): chr1:94,031,083, A>T on the plus strand (T>A on the coding strand, the complement: ABCA4 is on the minus strand). VCF-style: chr1-94031083-A-T. GRCh37 (hg19) VCF-style: chr1-94496639-A-T.
Other names: c.3944T>A, p.Met1315Lys (NM_001425324.1); short protein forms M1389K, M1315K.
Identifiers: ClinVar variation 2132619 (VCV002132619.4), dbSNP rs2523729481, ClinGen allele CA341286342.
Genomic context (GRCh38, chr1:94,031,083, plus strand): 5'-ATCCAGGGGTGAAGGGTCAAAGCGGGGTATTCGCCAAAAGGAGGGATAACAATAGAAAGC[A>T]TCAGAGCCAAAAACACAAAGGTAGCCGGGAGCACGATCTGTGGGAGAATAGACGTGGAAT-3'
Protein context (NP_000341.2, residues 1379-1399): LPATFVFLAL[Met1389Lys]LSIVIPPFGE

ClinVar aggregate classification (germline): Uncertain significance (1 of 4 stars; one submission).

Submission:

Labcorp Genetics (formerly Invitae), Labcorp
Classification: Uncertain significance. Last evaluated: 2022-05-03. Review status: criteria provided, single submitter. Criteria: Invitae Variant Classification Sherloc (09022015). Collection method: clinical testing. Allele origin: germline.
Comment: This variant is not present in population databases (gnomAD no frequency). In summary, the available evidence is currently insufficient to determine the role of this variant in disease. Therefore, it has been classified as a Variant of Uncertain Significance. Algorithms developed to predict the effect of missense changes on protein structure and function are either unavailable or do not agree on the potential impact of this missense change (SIFT: "Deleterious"; PolyPhen-2: "Benign"; Align-GVGD: "Class C35"). This variant has not been reported in the literature in individuals affected with ABCA4-related conditions. This sequence change replaces methionine, which is neutral and non-polar, with lysine, which is basic and polar, at codon 1389 of the ABCA4 protein (p.Met1389Lys).